The following is an entry in ClinVar:

ClinVar aggregate classification (germline): Likely benign (0 of 4 stars; one submission).

Conditions:
ACVR1-related disorder. Also called: ACVR1-related condition.

Submission:

PreventionGenetics, part of Exact Sciences
Classification: Likely benign for ACVR1-related condition. Last evaluated: 2022-03-16. Review status: no assertion criteria provided. Collection method: clinical testing. Allele origin: germline.
Comment: This variant is classified as likely benign based on ACMG/AMP sequence variant interpretation guidelines (Richards et al. 2015 PMID: 25741868, with internal and published modifications).

NM_001111067.4(ACVR1):c.1067-4dup

Gene: ACVR1 (activin A receptor type 1; minus strand). Cytogenetic location: 2q24.1.
Variant type: Duplication.
Coding change: c.1067-4dup on transcript NM_001111067.4 (MANE Select); 4 bases into the intron before coding-DNA position 1067, one base duplicated (T; older notation c.1067-4dupT).
Molecular consequence: intron variant.
Genome position (GRCh38, 1-based): chr2:157,761,081, A duplicated on the plus strand (T on the coding strand, the reverse complement: ACVR1 is on the minus strand); the first of 3 consecutive A bases (chr2:157,761,081-157,761,083); duplicating any one gives the same sequence. VCF-style (leftmost placement, unchanged base first): chr2-157761080-G-GA. GRCh37 (hg19) VCF-style: chr2-158617592-G-GA.
Other names: c.1067-4dup (NM_001347665.1, NM_001347664.1, NM_001347666.1 and 3 more transcripts).
Identifiers: ClinVar variation 3049883 (VCV003049883.2), dbSNP rs2467919911, ClinGen allele CA2740095791.